The following is an entry in ClinVar:

ClinVar aggregate classification (germline): Likely benign. Review status: criteria provided, multiple submitters, no conflicts (2 of 4 stars). 2 submissions from 2 submitters: Likely benign (2). Last evaluated 2025-07-01.

Conditions:
Seizures, benign familial infantile, 3 (BFIS3). Also called: Familial neonatal seizures; CONVULSIONS, BENIGN FAMILIAL INFANTILE, 3. Identifiers: Orphanet 140927, Orphanet 306, MedGen C1843140, MONDO:0011904, OMIM 607745.
Developmental and epileptic encephalopathy, 11 (DEE11). Also called: Early infantile epileptic encephalopathy 11. Identifiers: Orphanet 1934, MedGen C3150987, MONDO:0013388, OMIM 613721.

Allele frequency attached by ClinVar (database versions not stated): gnomAD exomes below 0.00001 and 0.00001; ExAC 0.00002.
gnomAD v4.1: 5 of 1,614,082 alleles (0.00031%); highest among the groups gnomAD compares: Middle Eastern, 0.016%; no homozygotes.

Submissions (2):

CeGaT Center for Human Genetics Tuebingen
Classification: Likely benign. Last evaluated: 2025-07-01. Review status: criteria provided, single submitter. Criteria: CeGaT Center For Human Genetics Tuebingen Variant Classification Criteria Version 2. Collection method: clinical testing. Allele origin: germline. Affected: yes. Observed: 2 variant alleles.
Comment: SCN2A: BP4, BP7

Labcorp Genetics (formerly Invitae), Labcorp
Classification: Likely benign for Seizures, benign familial infantile, 3; Developmental and epileptic encephalopathy, 11. Last evaluated: 2017-12-30. Review status: criteria provided, single submitter. Criteria: Invitae Variant Classification Sherloc (09022015). Collection method: clinical testing. Allele origin: germline.

NM_001040142.2(SCN2A):c.1923T>C (p.Asn641=)

Gene: SCN2A (sodium voltage-gated channel alpha subunit 2; plus strand). Cytogenetic location: 2q24.3.
Variant type: single nucleotide variant.
Coding change: c.1923T>C on transcript NM_001040142.2 (MANE Select); coding-DNA position 1923, T replaced by C.
Protein change: p.Asn641=; no amino-acid change (asparagine 641 retained).
Molecular consequence: synonymous variant.
Genome position (GRCh38, 1-based): chr2:165,323,407, T>C. VCF-style: chr2-165323407-T-C. GRCh37 (hg19) VCF-style: chr2-166179917-T-C.
Other names: c.1923T>C, p.Asn641= (NM_001040143.2, NM_001371246.1, NM_001371247.1 and 1 more transcripts).
Identifiers: ClinVar variation 374727 (VCV000374727.49), dbSNP rs780183614, ClinGen allele CA1939888.
Genomic context (GRCh38, chr2:165,323,407, plus strand): 5'-CCACAGCAATGTCAGCCAGGCCAGCCGTGCCTCCAGGGTGCTCCCCATCCTGCCCATGAA[T>C]GGGAAGATGCATAGCGCTGTGGACTGCAATGGTGTGGTCTCCCTGGTCGGGGGCCCTTCT-3'
Protein context (NP_001035232.1, residues 631-651): ASRVLPILPM[Asn641=]GKMHSAVDCN